The following is an entry in ClinVar:

ClinVar aggregate classification (germline): Uncertain significance (1 of 4 stars; one submission).

Conditions:
Neuromuscular disease caused by qualitative or quantitative defects of dysferlin. Also called: Dysferlinopathy; Qualitative or quantitative defects of dysferlin. Identifiers: Orphanet 207073, MedGen C2931687, MONDO:0016145.

Submission:

Labcorp Genetics (formerly Invitae), Labcorp
Classification: Uncertain significance for Neuromuscular disease caused by qualitative or quantitative defects of dysferlin. Last evaluated: 2023-12-11. Review status: criteria provided, single submitter. Criteria: Invitae Variant Classification Sherloc (09022015). Collection method: clinical testing. Allele origin: germline.
Comment: This variant, c.3277_3279del, results in the deletion of 1 amino acid(s) of the DYSF protein (p.Arg1093del), but otherwise preserves the integrity of the reading frame. This variant is not present in population databases (gnomAD no frequency). This variant has not been reported in the literature in individuals affected with DYSF-related conditions. Experimental studies and prediction algorithms are not available or were not evaluated, and the functional significance of this variant is currently unknown. In summary, the available evidence is currently insufficient to determine the role of this variant in disease. Therefore, it has been classified as a Variant of Uncertain Significance.

NM_001130987.2(DYSF):c.3322CGC[3] (p.Arg1111del)

Gene: DYSF (dysferlin; plus strand). Cytogenetic location: 2p13.2.
Variant type: Microsatellite.
Coding change: c.3322CGC[3] on transcript NM_001130987.2 (MANE Select); three copies in a row of the 3-base unit CGC starting at c.3322; the reference has four copies in a row; one copy, 3 bases deleted.
Protein change: p.Arg1111del; deletes arginine 1111.
Molecular consequence: inframe deletion.
Genome position (GRCh38, 1-based): chr2:71,574,300-71,574,302, CGC deleted; deleting any 3 consecutive bases within chr2:71,574,290-71,574,302 gives the same sequence; the position shown is the placement nearest the transcript's 3' end. VCF-style (leftmost placement, unchanged base first): chr2-71574289-TCCG-T. GRCh37 (hg19) VCF-style: chr2-71801419-TCCG-T.
Other names: c.3271CGC[3], p.Arg1094del (NM_001130455.2, NM_001130983.2); c.3226CGC[3], p.Arg1079del (NM_001130976.2, NM_001130977.2); c.3268CGC[3], p.Arg1093del (NM_001130978.2, NM_003494.4); c.3361CGC[3], p.Arg1124del (NM_001130979.2); c.3319CGC[3], p.Arg1110del (NM_001130980.2, NM_001130981.2); c.3364CGC[3], p.Arg1125del (NM_001130982.2); c.3229CGC[3], p.Arg1080del (NM_001130984.2, NM_001130986.2); c.3322CGC[3], p.Arg1111del (NM_001130985.2); short protein forms R1079del, R1124del, R1093del, R1094del, R1080del, R1110del, R1111del, R1125del.
Identifiers: ClinVar variation 1516773 (VCV001516773.8), dbSNP rs779680055, ClinGen allele CA533655767.